The following is an entry in ClinVar:

ClinVar aggregate classification (germline): Uncertain significance (1 of 4 stars; one submission).

Conditions:
Retinitis pigmentosa 12 (RP12). Also called: RP WITH OR WITHOUT PPRPE; RP WITH OR WITHOUT PRESERVED PARAARTERIOLE RETINAL PIGMENT EPITHELIUM; RETINITIS PIGMENTOSA WITH OR WITHOUT PARAARTERIOLAR PRESERVATION OF RETINAL PIGMENT EPITHELIUM. Identifiers: Orphanet 791, MedGen C1838647, MONDO:0010818, OMIM 600105.
Leber congenital amaurosis 8 (LCA8). Identifiers: Orphanet 65, MedGen C3151202, MONDO:0013453, OMIM 613835.

Submission:

Labcorp Genetics (formerly Invitae), Labcorp
Classification: Uncertain significance for Leber congenital amaurosis 8; Retinitis pigmentosa 12. Last evaluated: 2025-03-17. Review status: criteria provided, single submitter. Criteria: Invitae Variant Classification Sherloc (09022015). Collection method: clinical testing. Allele origin: germline.
Comment: This sequence change replaces cysteine, which is neutral and slightly polar, with tyrosine, which is neutral and polar, at codon 354 of the CRB1 protein (p.Cys354Tyr). This variant is not present in population databases (gnomAD no frequency). This variant has not been reported in the literature in individuals affected with CRB1-related conditions. ClinVar contains an entry for this variant (Variation ID: 2941127). Invitae Evidence Modeling of protein sequence and biophysical properties (such as structural, functional, and spatial information, amino acid conservation, physicochemical variation, residue mobility, and thermodynamic stability) indicates that this missense variant is expected to disrupt CRB1 protein function with a positive predictive value of 95%. In summary, the available evidence is currently insufficient to determine the role of this variant in disease. Therefore, it has been classified as a Variant of Uncertain Significance.

NM_201253.3(CRB1):c.1061G>A (p.Cys354Tyr)

Gene: CRB1 (crumbs cell polarity complex component 1; plus strand). Cytogenetic location: 1q31.3.
Variant type: single nucleotide variant.
Coding change: c.1061G>A on transcript NM_201253.3 (MANE Select); coding-DNA position 1061, G replaced by A.
Protein change: p.Cys354Tyr; replaces cysteine 354 with tyrosine.
Molecular consequence: missense variant. On other transcripts: non-coding transcript variant (2).
Genome position (GRCh38, 1-based): chr1:197,356,903, G>A. VCF-style: chr1-197356903-G-A. GRCh37 (hg19) VCF-style: chr1-197326033-G-A.
Other names: c.725G>A, p.Cys242Tyr (NM_001193640.2); c.854G>A, p.Cys285Tyr (NM_001257965.2); c.1061G>A, p.Cys354Tyr (NM_001257966.2); short protein forms C242Y, C285Y, C354Y.
Identifiers: ClinVar variation 2941127 (VCV002941127.3), dbSNP rs2527715783, ClinGen allele CA344084456.